The following is an entry in ClinVar:

NM_000051.4(ATM):c.2424A>G (p.Thr808=)

Gene: ATM (ATM serine/threonine kinase; plus strand). Cytogenetic location: 11q22.3.
Variant type: single nucleotide variant.
Coding change: c.2424A>G on transcript NM_000051.4 (MANE Select); coding-DNA position 2424, A replaced by G.
Protein change: p.Thr808=; no amino-acid change (threonine 808 retained).
Molecular consequence: synonymous variant.
Genome position (GRCh38, 1-based): chr11:108,259,033, A>G. VCF-style: chr11-108259033-A-G. GRCh37 (hg19) VCF-style: chr11-108129760-A-G.
Other names: c.2424A>G, p.Thr808= (NM_001351834.2).
Identifiers: ClinVar variation 479109 (VCV000479109.11), dbSNP rs1555076671, ClinGen allele CA476672899.
Genomic context (GRCh38, chr11:108,259,033, plus strand): 5'-GTCTTAATTGCAGAAGAGTCCAAATAAGATTGCATCTGGCTTTTTCCTGCGATTGTTAAC[A>G]TCAAAGCTAATGAATGACATTGCAGATATTTGTAAAAGTTTAGTAAGTATGCTTCCTGTT-3'
Protein context (NP_000042.3, residues 798-818): IASGFFLRLL[Thr808=]SKLMNDIADI

ClinVar aggregate classification (germline): Benign/Likely benign. Review status: criteria provided, multiple submitters, no conflicts (2 of 4 stars). 3 submissions from 3 submitters: Benign (1); Likely benign (2). Last evaluated 2025-10-12.

Conditions:
Hereditary cancer-predisposing syndrome. Also called: Tumor predisposition; Neoplastic Syndromes, Hereditary; Hereditary Cancer Syndrome; Hereditary neoplastic syndrome. Identifiers: Orphanet 140162, MedGen C0027672, MeSH D009386, MONDO:0015356.
Familial cancer of breast. Also called: BREAST CANCER, FAMILIAL; Hereditary breast cancer; hereditary breast carcinoma. Identifiers: Orphanet 227535, MedGen C0346153, MONDO:0016419, OMIM 114480. Disease mechanism: loss of function.
Ataxia-telangiectasia syndrome (AT). Also called: Cerebello-oculocutaneous telangiectasia; Immunodeficiency with ataxia telangiectasia; ATAXIA-TELANGIECTASIA, COMPLEMENTATION GROUP A; Ataxia-telangiectasia, complementation group D; AT, COMPLEMENTATION GROUP C; ATAXIA-TELANGIECTASIA, FRESNO VARIANT. Identifiers: Orphanet 100, MedGen C0004135, MONDO:0008840, OMIM 208900.

gnomAD v4.1: 1 of 1,613,888 alleles (0.000062%); highest among the groups gnomAD compares: Non-Finnish European, 0.000085%; no homozygotes.

Submissions (3):

Labcorp Genetics (formerly Invitae), Labcorp
Classification: Likely benign for Ataxia-telangiectasia syndrome. Last evaluated: 2025-10-12. Review status: criteria provided, single submitter. Criteria: Invitae Variant Classification Sherloc (09022015). Collection method: clinical testing. Allele origin: germline.

Myriad Genetics, Inc.
Classification: Benign for Familial cancer of breast. Last evaluated: 2024-05-08. Review status: criteria provided, single submitter. Criteria: Myriad Autosomal Dominant, Autosomal Recessive and X-Linked Classification Criteria (2023). Collection method: clinical testing. Allele origin: unknown.
Comment: This variant is considered benign. This variant is a silent/synonymous amino acid change and it is not expected to impact splicing.

Ambry Genetics
Classification: Likely benign for Hereditary cancer-predisposing syndrome. Last evaluated: 2017-09-05. Review status: criteria provided, single submitter. Criteria: Ambry Variant Classification Scheme 2023. Collection method: clinical testing. Allele origin: germline.